The following is an entry in ClinVar:

NM_024496.4(IRF2BPL):c.321_332del (p.Gln124_Gln127del)

Genes: IRF2BPL (interferon regulatory factor 2 binding protein like; minus strand), LOC107984638 (uncharacterized LOC107984638; plus strand). Cytogenetic location: 14q24.3.
Variant type: Deletion.
Coding change: c.321_332del on transcript NM_024496.4 (MANE Select); coding-DNA positions 321 to 332, 12 bases deleted (ACAGCAGCAGCA).
Protein change: p.Gln124_Gln127del.
Molecular consequence: inframe deletion.
Genome position (GRCh38, 1-based): chr14:77,027,461-77,027,472, TGCTGCTGCTGT deleted on the plus strand (ACAGCAGCAGCA on the coding strand, the reverse complement: IRF2BPL is on the minus strand); deleting any 12 consecutive bases within chr14:77,027,461-77,027,477 gives the same sequence; the c. name uses the placement nearest the transcript's 3' end. VCF-style (leftmost placement, unchanged base first): chr14-77027460-CTGCTGCTGCTGT-C. GRCh37 (hg19) VCF-style: chr14-77493803-CTGCTGCTGCTGT-C.
Identifiers: ClinVar variation 978113 (VCV000978113.10), dbSNP rs1566786923, ClinGen allele CA615492427.

ClinVar aggregate classification (germline): Conflicting classifications of pathogenicity. Review status: criteria provided, conflicting classifications (1 of 4 stars). 3 submissions from 3 submitters: Uncertain significance (2); Likely benign (1). Last evaluated 2025-02-01.

Conditions:
Neurodevelopmental disorder with regression, abnormal movements, loss of speech, and seizures. Identifiers: Orphanet 597623, MedGen C4748127, MONDO:0060759, OMIM 618088.

Submissions (3):

CeGaT Center for Human Genetics Tuebingen
Classification: Likely benign. Last evaluated: 2025-02-01. Review status: criteria provided, single submitter. Criteria: CeGaT Center For Human Genetics Tuebingen Variant Classification Criteria Version 2. Collection method: clinical testing. Allele origin: germline. Affected: yes. Observed: 1 variant allele.
Comment: IRF2BPL: BP3, BS2

Fulgent Genetics
Classification: Uncertain significance for Neurodevelopmental disorder with regression, abnormal movements, loss of speech, and seizures. Last evaluated: 2021-08-05. Review status: criteria provided, single submitter. Criteria: ACMG Guidelines, 2015. Collection method: clinical testing. Allele origin: unknown.

New York Genome Center
Classification: Uncertain significance for Neurodevelopmental disorder with regression, abnormal movements, loss of speech, and seizures. Last evaluated: 2020-01-09. Review status: criteria provided, single submitter. Criteria: NYGC Assertion Criteria 2020. Collection method: clinical testing. Allele origin: inherited. Observed: 1 heterozygote. Study: CSER-NYCKidSeq.